The following is an entry in ClinVar:

NM_178862.3(STT3B):c.758G>C (p.Cys253Ser)

Gene: STT3B (STT3 oligosaccharyltransferase complex catalytic subunit B; plus strand). Cytogenetic location: 3p23.
Variant type: single nucleotide variant.
Coding change: c.758G>C on transcript NM_178862.3 (MANE Select); coding-DNA position 758, G replaced by C.
Protein change: p.Cys253Ser; replaces cysteine 253 with serine.
Molecular consequence: missense variant.
Genome position (GRCh38, 1-based): chr3:31,596,844, G>C. VCF-style: chr3-31596844-G-C. GRCh37 (hg19) VCF-style: chr3-31638336-G-C.
Other names: c.758G>C (NM_178862.1); short protein forms C253S.
Identifiers: ClinVar variation 651772 (VCV000651772.7), dbSNP rs1008042824, ClinGen allele CA72539702.

ClinVar aggregate classification (germline): Uncertain significance. Review status: criteria provided, multiple submitters, no conflicts (2 of 4 stars). 2 submissions from 2 submitters: Uncertain significance (2). Last evaluated 2025-11-08.

Conditions:
STT3B-congenital disorder of glycosylation. Also called: Congenital disorder of glycosylation type 1x; CDG Ix; STT3B-CDG. Identifiers: Orphanet 370924, MedGen C2931007, MONDO:0014271, OMIM 615597.

Allele frequency attached by ClinVar (database versions not stated): gnomAD exomes below 0.00001 and 0.00001; gnomAD 0.00010 and 0.00013; TOPMed 0.00024.

Submissions (2):

Ambry Genetics
Classification: Uncertain significance. Last evaluated: 2025-11-08. Review status: criteria provided, single submitter. Criteria: Ambry Variant Classification Scheme 2023. Collection method: clinical testing. Allele origin: germline.

Labcorp Genetics (formerly Invitae), Labcorp
Classification: Uncertain significance for STT3B-congenital disorder of glycosylation. Last evaluated: 2018-09-05. Review status: criteria provided, single submitter. Criteria: Invitae Variant Classification Sherloc (09022015). Collection method: clinical testing. Allele origin: germline.
Comment: In summary, the available evidence is currently insufficient to determine the role of this variant in disease. Therefore, it has been classified as a Variant of Uncertain Significance. Algorithms developed to predict the effect of missense changes on protein structure and function (SIFT, PolyPhen-2, Align-GVGD) all suggest that this variant is likely to be tolerated, but these predictions have not been confirmed by published functional studies and their clinical significance is uncertain. This variant has not been reported in the literature in individuals with STT3B-related disease. This variant is not present in population databases (ExAC no frequency). This sequence change replaces cysteine with serine at codon 253 of the STT3B protein (p.Cys253Ser). The cysteine residue is moderately conserved and there is a moderate physicochemical difference between cysteine and serine.